The following is an entry in ClinVar:

NC_000001.11:g.(?_99910692)_(99910867_?)del

Gene: AGL (amylo-alpha-1,6-glucosidase and 4-alpha-glucanotransferase; plus strand). Cytogenetic location: 1p21.2.
Variant type: Deletion.
Identifiers: ClinVar variation 832911 (VCV000832911.5).

ClinVar aggregate classification (germline): Pathogenic (1 of 4 stars; one submission).

Conditions:
Glycogen storage disease type III (GSD3). Also called: FORBES DISEASE; Cori disease. Identifiers: Orphanet 366, MedGen C0017922, MONDO:0009291, OMIM 232400.

Submission:

Labcorp Genetics (formerly Invitae), Labcorp
Classification: Pathogenic for Glycogen storage disease type III. Last evaluated: 2019-07-10. Review status: criteria provided, single submitter. Criteria: Invitae Variant Classification Sherloc (09022015). Collection method: clinical testing. Allele origin: germline.
Comment: For these reasons, this variant has been classified as Pathogenic. Loss-of-function variants in AGL are known to be pathogenic (PMID: 19299494). This variant has not been reported in the literature in individuals with AGL-related conditions. This variant is an out-of-frame deletion of the genomic region encompassing exon 28 of the AGL gene. This is expected to create a premature translational stop signal and result in an absent or disrupted protein product.

Literature cited by the submitters: PubMed 19299494.